The following is an entry in ClinVar:

NM_172240.3(POC1B):c.688G>A (p.Gly230Arg)

Genes: POC1B (POC1 centriolar protein B; minus strand), POC1B-DUSP6 (POC1B-DUSP6 readthrough; minus strand). Cytogenetic location: 12q21.33.
Variant type: single nucleotide variant.
Coding change: c.688G>A on transcript NM_172240.3 (MANE Select); coding-DNA position 688, G replaced by A.
Protein change: p.Gly230Arg; replaces glycine 230 with arginine.
Molecular consequence: missense variant. On other transcripts: non-coding transcript variant (2).
Genome position (GRCh38, 1-based): chr12:89,470,483, C>T on the plus strand (G>A on the coding strand, the complement: POC1B is on the minus strand). VCF-style: chr12-89470483-C-T. GRCh37 (hg19) VCF-style: chr12-89864260-C-T.
Other names: c.562G>A, p.Gly188Arg (NM_001199777.2); c.688G>A, p.Gly230Arg (NM_001425771.1, NM_001425772.1); c.298G>A, p.Gly100Arg (NM_001425773.1); short protein forms G100R, G188R, G230R.
Identifiers: ClinVar variation 3669976 (VCV003669976.2).

ClinVar aggregate classification (germline): Uncertain significance (1 of 4 stars; one submission).

Submission:

Labcorp Genetics (formerly Invitae), Labcorp
Classification: Uncertain significance. Last evaluated: 2024-11-06. Review status: criteria provided, single submitter. Criteria: Invitae Variant Classification Sherloc (09022015). Collection method: clinical testing. Allele origin: germline.
Comment: This sequence change replaces glycine, which is neutral and non-polar, with arginine, which is basic and polar, at codon 230 of the POC1B protein (p.Gly230Arg). This variant is present in population databases (rs143173153, gnomAD 0.02%). This variant has not been reported in the literature in individuals affected with POC1B-related conditions. Invitae Evidence Modeling of protein sequence and biophysical properties (such as structural, functional, and spatial information, amino acid conservation, physicochemical variation, residue mobility, and thermodynamic stability) indicates that this missense variant is not expected to disrupt POC1B protein function with a negative predictive value of 80%. Algorithms developed to predict the effect of sequence changes on RNA splicing suggest that this variant may create or strengthen a splice site. In summary, the available evidence is currently insufficient to determine the role of this variant in disease. Therefore, it has been classified as a Variant of Uncertain Significance.